The following is an entry in ClinVar:

ClinVar aggregate classification (germline): Uncertain significance. Review status: criteria provided, multiple submitters, no conflicts (2 of 4 stars). 2 submissions from 2 submitters: Uncertain significance (2). Last evaluated 2024-07-16.

Conditions:
Inborn genetic diseases. Identifiers: MedGen C0950123, MeSH D030342.

Allele frequency attached by ClinVar (database versions not stated): ESP Exome Variant Server 0.00008.
gnomAD v4.1: 21 of 1,613,990 alleles (0.0013%); highest among the groups gnomAD compares: South Asian, 0.0055%; no homozygotes.

Submissions (2):

Ambry Genetics
Classification: Uncertain significance for Inborn genetic diseases. Last evaluated: 2024-07-16. Review status: criteria provided, single submitter. Criteria: Ambry Variant Classification Scheme 2023. Collection method: clinical testing. Allele origin: germline.

Labcorp Genetics (formerly Invitae), Labcorp
Classification: Uncertain significance. Last evaluated: 2021-08-28. Review status: criteria provided, single submitter. Criteria: Invitae Variant Classification Sherloc (09022015). Collection method: clinical testing. Allele origin: germline.
Comment: This sequence change replaces arginine with histidine at codon 1529 of the COL7A1 protein (p.Arg1529His). The arginine residue is moderately conserved and there is a small physicochemical difference between arginine and histidine. This variant is not present in population databases (ExAC no frequency). This variant has not been reported in the literature in individuals affected with COL7A1-related conditions. Algorithms developed to predict the effect of missense changes on protein structure and function output the following: SIFT: "Tolerated"; PolyPhen-2: "Not Available"; Align-GVGD: "Class C0". The histidine amino acid residue is found in multiple mammalian species, which suggests that this missense change does not adversely affect protein function. In summary, the available evidence is currently insufficient to determine the role of this variant in disease. Therefore, it has been classified as a Variant of Uncertain Significance.

NM_000094.4(COL7A1):c.4586G>A (p.Arg1529His)

Gene: COL7A1 (collagen type VII alpha 1 chain; minus strand). Cytogenetic location: 3p21.31.
Variant type: single nucleotide variant.
Coding change: c.4586G>A on transcript NM_000094.4 (MANE Select); coding-DNA position 4586, G replaced by A.
Protein change: p.Arg1529His; replaces arginine 1529 with histidine.
Molecular consequence: missense variant.
Genome position (GRCh38, 1-based): chr3:48,582,491, C>T on the plus strand (G>A on the coding strand, the complement: COL7A1 is on the minus strand). VCF-style: chr3-48582491-C-T. GRCh37 (hg19) VCF-style: chr3-48619924-C-T.
Other names: short protein forms R1529H.
Identifiers: ClinVar variation 2153313 (VCV002153313.2), dbSNP rs374782557, ClinGen allele CA73979746.